The following is an entry in ClinVar:

ClinVar aggregate classification (germline): Uncertain significance (1 of 4 stars; one submission).

Conditions:
Arrhythmogenic right ventricular dysplasia 10. Also called: Arrhythmogenic Right Ventricular Dysplasia/Cardiomyopathy10; ARRHYTHMOGENIC RIGHT VENTRICULAR DYSPLASIA, FAMILIAL, 10; Arrhythmogenic right ventricular dysplasia/cardiomyopathy, type 10. Identifiers: MedGen C1857777, MONDO:0012434, OMIM 610193.

Allele frequency attached by ClinVar (database versions not stated): gnomAD exomes 0.00001.
gnomAD v4.1: 3 of 1,614,172 alleles (0.00019%); highest among the groups gnomAD compares: Non-Finnish European, 0.00025%; no homozygotes.

Submission:

Labcorp Genetics (formerly Invitae), Labcorp
Classification: Uncertain significance for Arrhythmogenic right ventricular dysplasia 10. Last evaluated: 2022-10-01. Review status: criteria provided, single submitter. Criteria: Invitae Variant Classification Sherloc (09022015). Collection method: clinical testing. Allele origin: germline.
Comment: This sequence change replaces aspartic acid, which is acidic and polar, with valine, which is neutral and non-polar, at codon 63 of the DSG2 protein (p.Asp63Val). This variant is not present in population databases (gnomAD no frequency). This variant has not been reported in the literature in individuals affected with DSG2-related conditions. Algorithms developed to predict the effect of missense changes on protein structure and function (SIFT, PolyPhen-2, Align-GVGD) all suggest that this variant is likely to be disruptive. In summary, the available evidence is currently insufficient to determine the role of this variant in disease. Therefore, it has been classified as a Variant of Uncertain Significance.

NM_001943.5(DSG2):c.188A>T (p.Asp63Val)

Gene: DSG2 (desmoglein 2; plus strand). Cytogenetic location: 18q12.1.
Variant type: single nucleotide variant.
Coding change: c.188A>T on transcript NM_001943.5 (MANE Select); coding-DNA position 188, A replaced by T.
Protein change: p.Asp63Val; replaces aspartic acid 63 with valine.
Molecular consequence: missense variant.
Genome position (GRCh38, 1-based): chr18:31,519,909, A>T. VCF-style: chr18-31519909-A-T. GRCh37 (hg19) VCF-style: chr18-29099872-A-T.
Other names: short protein forms D63V.
Identifiers: ClinVar variation 1936453 (VCV001936453.5), dbSNP rs1568104869, ClinGen allele CA402130950.
Genomic context (GRCh38, chr18:31,519,909, plus strand): 5'-ATTTAGTGCGGCAAAAGCGCGCCTGGATCACCGCCCCCGTGGCTCTTCGGGAGGGAGAGG[A>T]TCTGTCCAAGAAGAATCCAATTGCCAAGGTACCTCCTAAAGAGGAACATGAAATACATGC-3'
Protein context (NP_001934.2, residues 53-73): TAPVALREGE[Asp63Val]LSKKNPIAKI